The following is an entry in ClinVar:

ClinVar aggregate classification (germline): Conflicting classifications of pathogenicity. Review status: criteria provided, conflicting classifications (1 of 4 stars). 2 submissions from 2 submitters: Pathogenic (1); Uncertain significance (1). Last evaluated 2025-05-12.

Conditions:
Mucopolysaccharidosis type 1. Also called: IDUA deficiency; MPS I; Mucopolysaccharidosis Type I. Identifiers: Orphanet 579, MedGen C0023786, MONDO:0001586.

gnomAD v4.1: 2 of 1,598,520 alleles (0.00013%); highest among the groups gnomAD compares: Non-Finnish European, 0.00017%; no homozygotes.

Submissions (2):

Labcorp Genetics (formerly Invitae), Labcorp
Classification: Pathogenic for Mucopolysaccharidosis type 1. Last evaluated: 2025-05-12. Review status: criteria provided, single submitter. Criteria: Invitae Variant Classification Sherloc (09022015). Collection method: clinical testing. Allele origin: germline.
Comment: This sequence change replaces glycine, which is neutral and non-polar, with arginine, which is basic and polar, at codon 219 of the IDUA protein (p.Gly219Arg). This variant is not present in population databases (gnomAD no frequency). This missense change has been observed in individual(s) with mucopolysaccharidosis type I (PMID: 36265282). ClinVar contains an entry for this variant (Variation ID: 1720401). Invitae Evidence Modeling of protein sequence and biophysical properties (such as structural, functional, and spatial information, amino acid conservation, physicochemical variation, residue mobility, and thermodynamic stability) indicates that this missense variant is expected to disrupt IDUA protein function with a positive predictive value of 95%. This variant disrupts the p.Gly219 amino acid residue in IDUA. Other variant(s) that disrupt this residue have been observed in individuals with IDUA-related conditions (PMID: 21394825), which suggests that this may be a clinically significant amino acid residue. For these reasons, this variant has been classified as Pathogenic.

Revvity Omics, Revvity
Classification: Uncertain significance. Last evaluated: 2022-08-15. Review status: criteria provided, single submitter. Criteria: ACMG Guidelines, 2015. Collection method: clinical testing. Allele origin: germline.

Literature cited by the submitters: PubMed 36265282 (cited by Labcorp Genetics (formerly Invitae), Labcorp); PubMed 21394825 (cited by Labcorp Genetics (formerly Invitae), Labcorp).

NM_000203.5(IDUA):c.655G>C (p.Gly219Arg)

Gene: IDUA (alpha-L-iduronidase; plus strand). Cytogenetic location: 4p16.3.
Variant type: single nucleotide variant.
Coding change: c.655G>C on transcript NM_000203.5 (MANE Select); coding-DNA position 655, G replaced by C.
Protein change: p.Gly219Arg; replaces glycine 219 with arginine.
Molecular consequence: missense variant. On other transcripts: non-coding transcript variant (1).
Genome position (GRCh38, 1-based): chr4:1,001,744, G>C. VCF-style: chr4-1001744-G-C. GRCh37 (hg19) VCF-style: chr4-995532-G-C.
Other names: c.259G>C, p.Gly87Arg (NM_001363576.1); short protein forms G219R, G87R.
Identifiers: ClinVar variation 1720401 (VCV001720401.8), dbSNP rs2534084817, ClinGen allele CA355962004.